The following is an entry in ClinVar:

ClinVar aggregate classification (germline): Pathogenic. Review status: criteria provided, multiple submitters, no conflicts (2 of 4 stars). 2 submissions from 2 submitters: Pathogenic (2). Last evaluated 2025-08-06.

Conditions:
Cardiovascular phenotype. Identifiers: MedGen CN230736.
Hereditary cancer-predisposing syndrome. Also called: Neoplastic Syndromes, Hereditary; Tumor predisposition; Hereditary Cancer Syndrome; Hereditary neoplastic syndrome. Identifiers: Orphanet 140162, MedGen C0027672, MeSH D009386, MONDO:0015356.
Neurofibromatosis, type 1 (NF1). Also called: VON RECKLINGHAUSEN DISEASE; NEUROFIBROMATOSIS, TYPE I, SOMATIC; Neurofibromatosis, type I; Peripheral type neurofibromatosis. Identifiers: Orphanet 636, MedGen C0027831, MONDO:0018975, OMIM 162200. Disease mechanism: loss of function.

Submissions (2):

Labcorp Genetics (formerly Invitae), Labcorp
Classification: Pathogenic for Neurofibromatosis, type 1. Last evaluated: 2025-08-06. Review status: criteria provided, single submitter. Criteria: Invitae Variant Classification Sherloc (09022015). Collection method: clinical testing. Allele origin: germline.
Comment: This sequence change creates a premature translational stop signal (p.Ala1509Serfs*8) in the NF1 gene. It is expected to result in an absent or disrupted protein product. Loss-of-function variants in NF1 are known to be pathogenic (PMID: 10712197, 23913538). This variant is not present in population databases (gnomAD no frequency). This variant has not been reported in the literature in individuals affected with NF1-related conditions. ClinVar contains an entry for this variant (Variation ID: 1741232). For these reasons, this variant has been classified as Pathogenic.

Ambry Genetics
Classification: Pathogenic for Cardiovascular phenotype; Hereditary cancer-predisposing syndrome. Last evaluated: 2016-04-29. Review status: criteria provided, single submitter. Criteria: Ambry Variant Classification Scheme 2023. Collection method: clinical testing. Allele origin: germline.
Comment: The c.4524dupA pathogenic mutation, located in coding exon 34 of the NF1 gene, results from a duplication of A at nucleotide position 4524, causing a translational frameshift with a predicted alternate stop codon. Since frameshifts are typically deleterious in nature, this alteration is interpreted as a disease-causing mutation (ACMG Recommendations for Standards for Interpretation and Reporting of Sequence Variations. Revision 2007. Genet Med. 2008;10:294).

Literature cited by the submitters: PubMed 10712197 (cited by Labcorp Genetics (formerly Invitae), Labcorp); PubMed 23913538 (cited by Labcorp Genetics (formerly Invitae), Labcorp).

NM_001042492.3(NF1):c.4587dup (p.Ala1530fs)

Gene: NF1 (neurofibromin 1; plus strand). Cytogenetic location: 17q11.2.
Variant type: Duplication.
Coding change: c.4587dup on transcript NM_001042492.3 (MANE Select); coding-DNA position 4587, one base duplicated (A; older notation c.4587dupA).
Protein change: p.Ala1530fs; shifts the reading frame from alanine 1530.
Molecular consequence: frameshift variant.
Genome position (GRCh38, 1-based): chr17:31,261,720, A duplicated; the last of 3 consecutive A bases (chr17:31,261,718-31,261,720); duplicating any one gives the same sequence. VCF-style (leftmost placement, unchanged base first): chr17-31261717-T-TA. GRCh37 (hg19) VCF-style: chr17-29588735-T-TA.
Other names: c.4524dup, p.Ala1509Serfs (NM_000267.4); c.4524dupA (NM_000267.3); short protein forms A1530fs, A1509fs.
Identifiers: ClinVar variation 1741232 (VCV001741232.3), dbSNP rs2151466201, ClinGen allele CA2580093287.